The following is an entry in ClinVar:

NM_006440.5(TXNRD2):c.662+240del

Gene: TXNRD2 (thioredoxin reductase 2; minus strand). Cytogenetic location: 22q11.21.
Variant type: Deletion.
Coding change: c.662+240del on transcript NM_006440.5 (MANE Select); 240 bases into the intron after coding-DNA position 662, one base deleted (G; older notation c.662+240delG).
Molecular consequence: intron variant.
Genome position (GRCh38, 1-based): chr22:19,911,137, C deleted on the plus strand (G on the coding strand, the reverse complement: TXNRD2 is on the minus strand); the first of 3 consecutive C bases (chr22:19,911,137-19,911,139); deleting any one gives the same sequence. VCF-style (leftmost placement, unchanged base first): chr22-19911136-GC-G. GRCh37 (hg19) VCF-style: chr22-19898659-GC-G.
Other names: c.659+240del (NM_001352300.2); c.374+240del (NM_001352302.2); c.572+240del (NM_001352301.2); c.662+240del (NM_001282512.3); c.566+240del (NM_001352303.2).
Identifiers: ClinVar variation 678662 (VCV000678662.1), dbSNP rs149796774, ClinGen allele CA322103981.

ClinVar aggregate classification (germline): Benign (1 of 4 stars; one submission).

Submission:

GeneDx
Classification: Benign. Last evaluated: 2018-06-15. Review status: criteria provided, single submitter. Criteria: GeneDx Variant Classification (06012015). Collection method: clinical testing. Allele origin: germline. Affected: yes.
Comment: This variant is considered likely benign or benign based on one or more of the following criteria: it is a conservative change, it occurs at a poorly conserved position in the protein, it is predicted to be benign by multiple in silico algorithms, and/or has population frequency not consistent with disease.